The following is an entry in ClinVar:

NM_000090.4(COL3A1):c.1685G>A (p.Arg562Gln)

Gene: COL3A1 (collagen type III alpha 1 chain; plus strand). Cytogenetic location: 2q32.2.
Variant type: single nucleotide variant.
Coding change: c.1685G>A on transcript NM_000090.4 (MANE Select); coding-DNA position 1685, G replaced by A.
Protein change: p.Arg562Gln; replaces arginine 562 with glutamine.
Molecular consequence: missense variant.
Genome position (GRCh38, 1-based): chr2:188,996,420, G>A. VCF-style: chr2-188996420-G-A. GRCh37 (hg19) VCF-style: chr2-189861146-G-A.
Other names: short protein forms R562Q.
Identifiers: ClinVar variation 1171685 (VCV001171685.5), dbSNP rs774146040, ClinGen allele CA074558.
Genomic context (GRCh38, chr2:188,996,420, plus strand): 5'-TTTATCAAACCTTTATTAATGTAATTTTTTCTTATTAGGGAAGTCAAGGAGAAAGTGGTC[G>A]ACCAGGTCCTCCTGGGCCATCTGGTCCCCGAGGTCAGCCTGGTGTCATGGGCTTCCCCGG-3'
Protein context (NP_000081.2, residues 552-572): GPPGSQGESG[Arg562Gln]PGPPGPSGPR

ClinVar aggregate classification (germline): Uncertain significance. Review status: criteria provided, multiple submitters, no conflicts (2 of 4 stars). 2 submissions from 2 submitters: Uncertain significance (2). Last evaluated 2024-03-07.

Conditions:
Familial thoracic aortic aneurysm and aortic dissection (TAAD). Also called: Thoracic aortic aneurysms and dissections. Identifiers: Orphanet 91387, MedGen C4707243, MONDO:0019625.
Ehlers-Danlos syndrome, type 4 (EDSVASC). Also called: Ehlers-Danlos syndrome vascular type; Ehlers Danlos syndrome, ecchymotic type; Ehlers Danlos syndrome, arterial type; Ehlers Danlos syndrome, Sack-Barabas type; Ehlers-Danlos Syndrome Type IV. Identifiers: Orphanet 286, MedGen C0268338, MONDO:0017314, OMIM 130050.

Allele frequency attached by ClinVar (database versions not stated): gnomAD exomes below 0.00001 and 0.00001; ExAC 0.00001; gnomAD 0.00001.
gnomAD v4.1: 7 of 1,613,578 alleles (0.00043%); highest among the groups gnomAD compares: African/African-American, 0.0013%; no homozygotes.

Submissions (2):

Color Diagnostics, LLC DBA Color Health
Classification: Uncertain significance for Familial thoracic aortic aneurysm and aortic dissection. Last evaluated: 2024-03-07. Review status: criteria provided, single submitter. Criteria: ACMG Guidelines, 2015. Collection method: clinical testing. Allele origin: germline.
Comment: This missense variant replaces arginine with glutamine at codon 562 of the COL3A1 protein. Computational prediction is inconclusive regarding the impact of this variant on protein structure and function (internally defined REVEL score threshold 0.5 < inconclusive < 0.7, PMID: 27666373). To our knowledge, functional studies have not been reported for this variant. This variant has not been reported in individuals affected with cardiovascular disorders in the literature. This variant has been identified in 4/282646 chromosomes in the general population by the Genome Aggregation Database (gnomAD). The available evidence is insufficient to determine the role of this variant in disease conclusively. Therefore, this variant is classified as a Variant of Uncertain Significance.

All of Us Research Program, National Institutes of Health
Classification: Uncertain significance for Ehlers-Danlos syndrome, type 4. Last evaluated: 2023-08-15. Review status: criteria provided, single submitter. Criteria: ACMG Guidelines, 2015. Collection method: clinical testing. Allele origin: germline. Inheritance: Autosomal dominant inheritance. Observed: 2 variant alleles, 2 heterozygotes.
Comment: This missense variant replaces arginine with glutamine at codon 562 of the COL3A1 protein. Computational prediction is inconclusive regarding the impact of this variant on protein structure and function (internally defined REVEL score threshold 0.5 < inconclusive < 0.7, PMID: 27666373). To our knowledge, functional studies have not been reported for this variant. This variant has not been reported in individuals affected with cardiovascular disorders in the literature. This variant has been identified in 4/282646 chromosomes in the general population by the Genome Aggregation Database (gnomAD). The available evidence is insufficient to determine the role of this variant in disease conclusively. Therefore, this variant is classified as a Variant of Uncertain Significance.

This study involves interpretation of variants in research participants for the purpose of population health screening. Participant phenotype was not available at the time of variant classification. Additional details can be found in publication PMID: 35346344, PMCID: PMC8962531